The following is an entry in ClinVar:

NM_001042492.3(NF1):c.1656TCA[1] (p.His553del)

Gene: NF1 (neurofibromin 1; plus strand). Cytogenetic location: 17q11.2.
Variant type: Microsatellite.
Coding change: c.1656TCA[1] on transcript NM_001042492.3 (MANE Select); one copy of the 3-base unit TCA starting at c.1656; the reference has two copies in a row; one copy, 3 bases deleted.
Protein change: p.His553del; deletes histidine 553.
Molecular consequence: inframe deletion. On other transcripts: inframe indel (2).
Genome position (GRCh38, 1-based): chr17:31,221,867-31,221,869, TCA deleted; deleting any 3 consecutive bases within chr17:31,221,864-31,221,869 gives the same sequence; the position shown is the placement nearest the transcript's 3' end. VCF-style (leftmost placement, unchanged base first): chr17-31221863-TTCA-T. GRCh37 (hg19) VCF-style: chr17-29548881-TTCA-T.
Other names: c.1656_1658TCA[1], p.His553del (NM_000267.3); c.1656TCA[1], p.His553del (NM_000267.4, NM_001128147.3); c.1659_1661delTCA (NM_000267.3); short protein forms H553del.
Identifiers: ClinVar variation 4861004 (VCV004861004.1).

ClinVar aggregate classification (germline): Likely pathogenic (1 of 4 stars; one submission).

Conditions:
Cardiovascular phenotype. Identifiers: MedGen CN230736.
Hereditary cancer-predisposing syndrome. Also called: Neoplastic Syndromes, Hereditary; Tumor predisposition; Hereditary Cancer Syndrome; Hereditary neoplastic syndrome. Identifiers: Orphanet 140162, MedGen C0027672, MeSH D009386, MONDO:0015356.

Submission:

Ambry Genetics
Classification: Likely pathogenic for Cardiovascular phenotype; Hereditary cancer-predisposing syndrome. Last evaluated: 2026-04-07. Review status: criteria provided, single submitter. Criteria: Ambry Variant Classification Scheme 2023. Collection method: clinical testing. Allele origin: germline.
Comment: The c.1659_1661delTCA (p.H553del) variant, located in exon 15 (coding exon 15) of the NF1 gene, results from an in-frame deletion of 3 nucleotides at positions c.1659 and c.1661. This results in the deletion of 1 residue at codon 553. This variant was not reported in population-based cohorts in the Genome Aggregation Database (gnomAD). This amino acid position is highly conserved in available vertebrate species. This variant is predicted to be deleterious by in silico analysis (Choi, 2012). Based on the available evidence, this alteration is classified as likely pathogenic.